The following is an entry in ClinVar:

ClinVar aggregate classification (germline): Uncertain significance (1 of 4 stars; one submission).

Submission:

GeneDx
Classification: Uncertain significance. Last evaluated: 2022-10-13. Review status: criteria provided, single submitter. Criteria: GeneDx Variant Classification Process June 2021. Collection method: clinical testing. Allele origin: germline. Affected: yes.
Comment: Not observed at significant frequency in large population cohorts (gnomAD); In silico analysis supports that this missense variant has a deleterious effect on protein structure/function; Has not been previously published as pathogenic or benign to our knowledge; Variants in candidate genes are classified as variants of uncertain significance in accordance with ACMG guidelines (Richards et al., 2015)

NM_001145073.3(USP27X):c.1145C>T (p.Thr382Ile)

Gene: USP27X (ubiquitin specific peptidase 27 X-linked; plus strand). Cytogenetic location: Xp11.23.
Variant type: single nucleotide variant.
Coding change: c.1145C>T on transcript NM_001145073.3 (MANE Select); coding-DNA position 1145, C replaced by T.
Protein change: p.Thr382Ile; replaces threonine 382 with isoleucine.
Molecular consequence: missense variant.
Genome position (GRCh38, 1-based): chrX:49,881,452, C>T. VCF-style: chrX-49881452-C-T. GRCh37 (hg19) VCF-style: chrX-49646055-C-T.
Other names: short protein forms T382I.
Identifiers: ClinVar variation 3342663 (VCV003342663.1).